The following is an entry in ClinVar:

ClinVar aggregate classification (germline): Uncertain significance. Review status: criteria provided, multiple submitters, no conflicts (2 of 4 stars). 4 submissions from 4 submitters: Uncertain significance (2). 2 of the submissions do not count toward it. Last evaluated 2024-11-30.

Conditions:
Hereditary cancer-predisposing syndrome. Also called: Hereditary Cancer Syndrome; Hereditary neoplastic syndrome; Neoplastic Syndromes, Hereditary; Tumor predisposition. Identifiers: Orphanet 140162, MedGen C0027672, MeSH D009386, MONDO:0015356.
Hereditary breast ovarian cancer syndrome. Also called: Hereditary breast and ovarian cancer; Breast and ovarian cancer; Hereditary breast and ovarian cancer syndrome; Hereditary breast and/or ovarian cancer syndrome; BRCA1- and BRCA2-Associated Hereditary Breast and Ovarian Cancer; Hereditary breast and ovarian cancer syndrome (HBOC). Identifiers: Orphanet 145, MedGen C0677776, MeSH D061325, MONDO:0003582. Disease mechanism: loss of function.

Allele frequency attached by ClinVar (database versions not stated): gnomAD exomes below 0.00001; TOPMed below 0.00001.
gnomAD v4.1: 1 of 1,513,902 alleles (0.000066%); highest among the groups gnomAD compares: Non-Finnish European, 0.000092%; no homozygotes.

Submissions (4):

Labcorp Genetics (formerly Invitae), Labcorp
Classification: Uncertain significance for Hereditary breast ovarian cancer syndrome. Last evaluated: 2024-11-30. Review status: criteria provided, single submitter. Criteria: Invitae Variant Classification Sherloc (09022015). Collection method: clinical testing. Allele origin: germline.
Comment: This sequence change replaces glutamic acid, which is acidic and polar, with lysine, which is basic and polar, at codon 2282 of the BRCA2 protein (p.Glu2282Lys). This variant is not present in population databases (gnomAD no frequency). This missense change has been observed in individual(s) with clinical features of BRCA2-related conditions (PMID: 21520333). ClinVar contains an entry for this variant (Variation ID: 441463). An algorithm developed to predict the effect of missense changes on protein structure and function (PolyPhen-2) suggests that this variant is likely to be disruptive. In summary, the available evidence is currently insufficient to determine the role of this variant in disease. Therefore, it has been classified as a Variant of Uncertain Significance.

Ambry Genetics
Classification: Uncertain significance for Hereditary cancer-predisposing syndrome. Last evaluated: 2018-09-27. Review status: criteria provided, single submitter. Criteria: Ambry Variant Classification Scheme 2023. Collection method: clinical testing. Allele origin: germline.
Comment: The p.E2282K variant (also known as c.6844G>A), located in coding exon 11 of the BRCA2 gene, results from a G to A substitution at nucleotide position 6844. The glutamic acid at codon 2282 is replaced by lysine, an amino acid with similar properties. This amino acid position is well conserved in available vertebrate species. In addition, the in silico prediction for this alteration is inconclusive. Since supporting evidence is limited at this time, the clinical significance of this alteration remains unclear.

Diagnostic Laboratory, Department of Genetics, University Medical Center Groningen
Classification: Uncertain significance. Review status: no assertion criteria provided. Collection method: clinical testing. Allele origin: germline. Affected: yes. Study: VKGL Data-share Consensus. Not counted in ClinVar's aggregate classification.

Joint Genome Diagnostic Labs from Nijmegen and Maastricht, Radboudumc and MUMC+
Classification: Uncertain significance. Review status: no assertion criteria provided. Collection method: clinical testing. Allele origin: germline. Affected: yes. Study: VKGL Data-share Consensus. Not counted in ClinVar's aggregate classification.

Literature cited by the submitters: PubMed 21520333 (cited by Labcorp Genetics (formerly Invitae), Labcorp).

NM_000059.4(BRCA2):c.6844G>A (p.Glu2282Lys)

Gene: BRCA2 (BRCA2 DNA repair associated; plus strand). Cytogenetic location: 13q13.1.
Variant type: single nucleotide variant.
Coding change: c.6844G>A on transcript NM_000059.4 (MANE Select); coding-DNA position 6844, G replaced by A.
Protein change: p.Glu2282Lys; replaces glutamic acid 2282 with lysine.
Molecular consequence: missense variant.
Genome position (GRCh38, 1-based): chr13:32,344,560, G>A. VCF-style: chr13-32344560-G-A. GRCh37 (hg19) VCF-style: chr13-32918697-G-A.
Other names: short protein forms E2282K.
Identifiers: ClinVar variation 441463 (VCV000441463.19), dbSNP rs1555285137, ClinGen allele CA387792603.